The following is an entry in ClinVar:

NM_000036.3(AMPD1):c.500G>A (p.Arg167Gln)

Gene: AMPD1 (adenosine monophosphate deaminase 1; minus strand). Cytogenetic location: 1p13.2.
Variant type: single nucleotide variant.
Coding change: c.500G>A on transcript NM_000036.3 (MANE Select); coding-DNA position 500, G replaced by A.
Protein change: p.Arg167Gln; replaces arginine 167 with glutamine.
Molecular consequence: missense variant.
Genome position (GRCh38, 1-based): chr1:114,684,246, C>T on the plus strand (G>A on the coding strand, the complement: AMPD1 is on the minus strand). VCF-style: chr1-114684246-C-T. GRCh37 (hg19) VCF-style: chr1-115226867-C-T.
Other names: c.488G>A, p.Arg163Gln (NM_001172626.2); short protein forms R163Q, R167Q.
Identifiers: ClinVar variation 1496235 (VCV001496235.7), dbSNP rs368656142, ClinGen allele CA1020420.

ClinVar aggregate classification (germline): Uncertain significance. Review status: criteria provided, multiple submitters, no conflicts (2 of 4 stars). 2 submissions from 2 submitters: Uncertain significance (2). Last evaluated 2024-12-03.

Conditions:
Inborn genetic diseases. Identifiers: MedGen C0950123, MeSH D030342.
Muscle AMP deaminase deficiency (MMDD). Also called: AMPD1 DEFICIENCY; ADENOSINE MONOPHOSPHATE DEAMINASE-1 DEFICIENCY, MYOPATHY DUE TO; Myoadenylate deaminase deficiency, myopathy due to; Adenosine monophosphate deaminase 1 deficiency; AMP deaminase 1 deficiency; Adenosine Monophosphate Deaminase 1. Identifiers: Orphanet 45, MedGen C3714933, MONDO:0014220, OMIM 615511.

Allele frequency attached by ClinVar (database versions not stated): gnomAD 0.00002 and 0.00003; ExAC 0.00003; gnomAD exomes 0.00003; ESP Exome Variant Server 0.00008.
gnomAD v4.1: 34 of 1,613,906 alleles (0.0021%); highest among the groups gnomAD compares: Admixed American, 0.015%; 1 homozygote.

Submissions (2):

Ambry Genetics
Classification: Uncertain significance for Inborn genetic diseases. Last evaluated: 2024-12-03. Review status: criteria provided, single submitter. Criteria: Ambry Variant Classification Scheme 2023. Collection method: clinical testing. Allele origin: germline.

Labcorp Genetics (formerly Invitae), Labcorp
Classification: Uncertain significance for Muscle AMP deaminase deficiency. Last evaluated: 2021-11-08. Review status: criteria provided, single submitter. Criteria: Invitae Variant Classification Sherloc (09022015). Collection method: clinical testing. Allele origin: germline.
Comment: This sequence change replaces arginine, which is basic and polar, with glutamine, which is neutral and polar, at codon 200 of the AMPD1 protein (p.Arg200Gln). This variant is present in population databases (rs368656142, gnomAD 0.009%). This variant has not been reported in the literature in individuals affected with AMPD1-related conditions. Algorithms developed to predict the effect of missense changes on protein structure and function are either unavailable or do not agree on the potential impact of this missense change (SIFT: "Tolerated"; PolyPhen-2: "Probably Damaging"; Align-GVGD: "Class C0"). Algorithms developed to predict the effect of sequence changes on RNA splicing suggest that this variant may create or strengthen a splice site. In summary, the available evidence is currently insufficient to determine the role of this variant in disease. Therefore, it has been classified as a Variant of Uncertain Significance.